The following is an entry in ClinVar:

NM_206937.2(LIG4):c.1169G>A (p.Ser390Asn)

Gene: LIG4 (DNA ligase 4; minus strand). Cytogenetic location: 13q33.3.
Variant type: single nucleotide variant.
Coding change: c.1169G>A on transcript NM_206937.2 (MANE Select); coding-DNA position 1169, G replaced by A.
Protein change: p.Ser390Asn; replaces serine 390 with asparagine.
Molecular consequence: missense variant.
Genome position (GRCh38, 1-based): chr13:108,210,100, C>T on the plus strand (G>A on the coding strand, the complement: LIG4 is on the minus strand). VCF-style: chr13-108210100-C-T. GRCh37 (hg19) VCF-style: chr13-108862448-C-T.
Other names: c.1169G>A, p.Ser390Asn (NM_001098268.2, NM_001352598.2, NM_001352599.2 and 6 more transcripts); c.968G>A, p.Ser323Asn (NM_001330595.2); c.1205G>A, p.Ser402Asn (NM_001352604.2); short protein forms S323N, S390N, S402N.
Identifiers: ClinVar variation 1058410 (VCV001058410.11), dbSNP rs35469724, ClinGen allele CA7043741.

ClinVar aggregate classification (germline): Conflicting classifications of pathogenicity. Review status: criteria provided, conflicting classifications (1 of 4 stars). 4 submissions from 4 submitters: Uncertain significance (2); Likely benign (2). Last evaluated 2025-06-23.

Conditions:
Inborn genetic diseases. Identifiers: MedGen C0950123, MeSH D030342.
DNA ligase IV deficiency. Identifiers: Orphanet 99812, MedGen C1847827, MONDO:0011686, OMIM 606593.

Allele frequency attached by ClinVar (database versions not stated): gnomAD exomes 0.00001 and 0.00002; ExAC 0.00003; ESP Exome Variant Server 0.00008; gnomAD 0.00013 and 0.00014; TOPMed 0.00014.
gnomAD v4.1: 27 of 1,613,288 alleles (0.0017%); highest among the groups gnomAD compares: African/African-American, 0.033%; no homozygotes.

Submissions (4):

GeneDx
Classification: Uncertain significance. Last evaluated: 2025-06-23. Review status: criteria provided, single submitter. Criteria: GeneDx Variant Classification Process June 2021. Collection method: clinical testing. Allele origin: germline.
Comment: In silico analysis suggests that this missense variant does not alter protein structure/function; Has not been previously published as pathogenic or benign to our knowledge

Labcorp Genetics (formerly Invitae), Labcorp
Classification: Likely benign for DNA ligase IV deficiency. Last evaluated: 2025-03-18. Review status: criteria provided, single submitter. Criteria: Invitae Variant Classification Sherloc (09022015). Collection method: clinical testing. Allele origin: germline.

Blueprint Genetics
Classification: Likely benign. Last evaluated: 2023-10-27. Review status: criteria provided, single submitter. Criteria: ACMG Guidelines, 2015. Collection method: clinical testing. Allele origin: germline.

Ambry Genetics
Classification: Uncertain significance for Inborn genetic diseases. Last evaluated: 2021-07-14. Review status: criteria provided, single submitter. Criteria: Ambry Variant Classification Scheme 2023. Collection method: clinical testing. Allele origin: germline.